The following is an entry in ClinVar:

ClinVar aggregate classification (germline): Conflicting classifications of pathogenicity. Review status: criteria provided, conflicting classifications (1 of 4 stars). 3 submissions from 3 submitters: Uncertain significance (2); Likely benign (1). Last evaluated 2025-06-06.

Conditions:
Ataxia-telangiectasia-like disorder (ATLD). Identifiers: MedGen C1858391, MONDO:0011457.
Hereditary cancer-predisposing syndrome. Also called: Neoplastic Syndromes, Hereditary; Tumor predisposition; Hereditary Cancer Syndrome; Hereditary neoplastic syndrome. Identifiers: Orphanet 140162, MedGen C0027672, MeSH D009386, MONDO:0015356.

Allele frequency attached by ClinVar (database versions not stated): ExAC 0.00001; gnomAD exomes 0.00001.
gnomAD v4.1: 13 of 1,613,918 alleles (0.00081%); highest among the groups gnomAD compares: Non-Finnish European, 0.00076%; no homozygotes.

Submissions (3):

Athena Diagnostics
Classification: Uncertain significance. Last evaluated: 2025-06-06. Review status: criteria provided, single submitter. Criteria: Athena Diagnostics Criteria. Collection method: clinical testing. Allele origin: unknown.
Comment: Available data are insufficient to determine the clinical significance of the variant at this time. The frequency of this variant in the general population is uninformative in assessment of its pathogenicity. Polyphen and MutationTaster predict this amino acid change may be benign.

Labcorp Genetics (formerly Invitae), Labcorp
Classification: Uncertain significance for Ataxia-telangiectasia-like disorder. Last evaluated: 2024-01-24. Review status: criteria provided, single submitter. Criteria: Invitae Variant Classification Sherloc (09022015). Collection method: clinical testing. Allele origin: germline.
Comment: This sequence change replaces isoleucine, which is neutral and non-polar, with valine, which is neutral and non-polar, at codon 395 of the MRE11 protein (p.Ile395Val). This variant is present in population databases (rs775670175, gnomAD 0.02%). This variant has not been reported in the literature in individuals affected with MRE11-related conditions. ClinVar contains an entry for this variant (Variation ID: 466428). Algorithms developed to predict the effect of missense changes on protein structure and function output the following: SIFT: "Not Available"; PolyPhen-2: "Benign"; Align-GVGD: "Not Available". The valine amino acid residue is found in multiple mammalian species, which suggests that this missense change does not adversely affect protein function. In summary, the available evidence is currently insufficient to determine the role of this variant in disease. Therefore, it has been classified as a Variant of Uncertain Significance.

Ambry Genetics
Classification: Likely benign for Hereditary cancer-predisposing syndrome. Last evaluated: 2018-06-29. Review status: criteria provided, single submitter. Criteria: Ambry Variant Classification Scheme 2023. Collection method: clinical testing. Allele origin: germline.

NM_005591.4(MRE11):c.1183A>G (p.Ile395Val)

Gene: MRE11 (MRE11 double strand break repair nuclease; minus strand). Cytogenetic location: 11q21.
Variant type: single nucleotide variant.
Coding change: c.1183A>G on transcript NM_005591.4 (MANE Select); coding-DNA position 1183, A replaced by G.
Protein change: p.Ile395Val; replaces isoleucine 395 with valine.
Molecular consequence: missense variant.
Genome position (GRCh38, 1-based): chr11:94,464,155, T>C on the plus strand (A>G on the coding strand, the complement: MRE11 is on the minus strand). VCF-style: chr11-94464155-T-C. GRCh37 (hg19) VCF-style: chr11-94197321-T-C.
Other names: c.1183A>G, p.Ile395Val (NM_001330347.2, NM_005590.4); short protein forms I395V.
Identifiers: ClinVar variation 466428 (VCV000466428.15), dbSNP rs775670175, ClinGen allele CA6235139.
Genomic context (GRCh38, chr11:94,464,155, plus strand): 5'-TAAAAATAACTAGCTTACCTGTTTTTTCCTTTTGTTCTCTATGCCTGAAAAAATGGATAA[T>C]GTCTTTTGGATTAGCTACCCGATCCACAAATTTCTGGCTAAAGCGAAGAACACTGAAAGG-3'
Protein context (NP_005582.1, residues 385-405): FVDRVANPKD[Ile395Val]IHFFRHREQK